The following is an entry in ClinVar:

ClinVar aggregate classification (germline): Uncertain significance (1 of 4 stars; one submission).

Conditions:
Congenital disorder of glycosylation type Ir (CDG1R). Also called: DDOST-congenital disorder of glycosylation. Identifiers: Orphanet 300536, MedGen C3281084, MONDO:0013789, OMIM 614507.

Allele frequency attached by ClinVar (database versions not stated): gnomAD exomes below 0.00001 and 0.00001; TOPMed below 0.00001; gnomAD 0.00001; ExAC 0.00002.

Submission:

Labcorp Genetics (formerly Invitae), Labcorp
Classification: Uncertain significance for Congenital disorder of glycosylation type Ir. Last evaluated: 2022-06-28. Review status: criteria provided, single submitter. Criteria: Invitae Variant Classification Sherloc (09022015). Collection method: clinical testing. Allele origin: germline.
Comment: In summary, the available evidence is currently insufficient to determine the role of this variant in disease. Therefore, it has been classified as a Variant of Uncertain Significance. This sequence change replaces aspartic acid, which is acidic and polar, with asparagine, which is neutral and polar, at codon 69 of the DDOST protein (p.Asp69Asn). This variant also falls at the last nucleotide of exon 1, which is part of the consensus splice site for this exon. This variant is present in population databases (rs778335267, gnomAD 0.003%). This variant has not been reported in the literature in individuals affected with DDOST-related conditions. Algorithms developed to predict the effect of missense changes on protein structure and function output the following: SIFT: "Deleterious"; PolyPhen-2: "Benign"; Align-GVGD: "Class C0". The asparagine amino acid residue is found in multiple mammalian species, which suggests that this missense change does not adversely affect protein function. Variants that disrupt the consensus splice site are a relatively common cause of aberrant splicing (PMID: 17576681, 9536098). Algorithms developed to predict the effect of sequence changes on RNA splicing suggest that this variant may disrupt the consensus splice site.

Literature cited by the submitters: PubMed 17576681; PubMed 9536098.

NM_005216.5(DDOST):c.154G>A (p.Asp52Asn)

Gene: DDOST (dolichyl-diphosphooligosaccharide--protein glycosyltransferase non-catalytic subunit; minus strand). Cytogenetic location: 1p36.12.
Variant type: single nucleotide variant.
Coding change: c.154G>A on transcript NM_005216.5 (MANE Select); coding-DNA position 154, G replaced by A.
Protein change: p.Asp52Asn; replaces aspartic acid 52 with asparagine.
Molecular consequence: missense variant.
Genome position (GRCh38, 1-based): chr1:20,661,197, C>T on the plus strand (G>A on the coding strand, the complement: DDOST is on the minus strand). VCF-style: chr1-20661197-C-T. GRCh37 (hg19) VCF-style: chr1-20987690-C-T.
Other names: short protein forms D52N.
Identifiers: ClinVar variation 1493215 (VCV001493215.8), dbSNP rs778335267, ClinGen allele CA661357.